The following is an entry in ClinVar:

NM_003322.6(TULP1):c.478G>A (p.Ala160Thr)

Gene: TULP1 (TUB like protein 1; minus strand). Cytogenetic location: 6p21.31.
Variant type: single nucleotide variant.
Coding change: c.478G>A on transcript NM_003322.6 (MANE Select); coding-DNA position 478, G replaced by A.
Protein change: p.Ala160Thr; replaces alanine 160 with threonine.
Molecular consequence: missense variant.
Genome position (GRCh38, 1-based): chr6:35,510,882, C>T on the plus strand (G>A on the coding strand, the complement: TULP1 is on the minus strand). VCF-style: chr6-35510882-C-T. GRCh37 (hg19) VCF-style: chr6-35478659-C-T.
Other names: c.319G>A, p.Ala107Thr (NM_001289395.2); short protein forms A107T, A160T.
Identifiers: ClinVar variation 1380653 (VCV001380653.3), dbSNP rs766950334, ClinGen allele CA3772912.

ClinVar aggregate classification (germline): Uncertain significance (1 of 4 stars; one submission).

Allele frequency attached by ClinVar (database versions not stated): ExAC 0.00001; gnomAD exomes 0.00001; gnomAD 0.00002; TOPMed 0.00002.
gnomAD v4.1: 6 of 1,613,854 alleles (0.00037%); highest among the groups gnomAD compares: African/African-American, 0.0053%; no homozygotes.

Submission:

Labcorp Genetics (formerly Invitae), Labcorp
Classification: Uncertain significance. Last evaluated: 2022-08-16. Review status: criteria provided, single submitter. Criteria: Invitae Variant Classification Sherloc (09022015). Collection method: clinical testing. Allele origin: germline.
Comment: This sequence change replaces alanine with threonine at codon 160 of the TULP1 protein (p.Ala160Thr). The alanine residue is weakly conserved and there is a small physicochemical difference between alanine and threonine. This variant is present in population databases (rs766950334, gnomAD 0.01%). This variant has not been reported in the literature in individuals affected with TULP1-related conditions. ClinVar contains an entry for this variant (Variation ID: 1380653). Algorithms developed to predict the effect of missense changes on protein structure and function output the following: SIFT: "Not Available"; PolyPhen-2: "Benign"; Align-GVGD: "Not Available". The threonine amino acid residue is found in multiple mammalian species, which suggests that this missense change does not adversely affect protein function. In summary, the available evidence is currently insufficient to determine the role of this variant in disease. Therefore, it has been classified as a Variant of Uncertain Significance.